The following is an entry in ClinVar:

ClinVar aggregate classification (germline): Likely benign (0 of 4 stars; one submission).

Conditions:
AGL-related disorder. Also called: AGL-related condition.

Allele frequency attached by ClinVar (database versions not stated): gnomAD exomes below 0.00001; gnomAD 0.00003; TOPMed 0.00003.
gnomAD v4.1: 10 of 1,606,924 alleles (0.00062%); highest among the groups gnomAD compares: African/African-American, 0.011%; no homozygotes.

Submission:

PreventionGenetics, part of Exact Sciences
Classification: Likely benign for AGL-related condition. Last evaluated: 2020-12-08. Review status: no assertion criteria provided. Collection method: clinical testing. Allele origin: germline.
Comment: This variant is classified as likely benign based on ACMG/AMP sequence variant interpretation guidelines (Richards et al. 2015 PMID: 25741868, with internal and published modifications).

NM_000642.3(AGL):c.3259+25A>G

Gene: AGL (amylo-alpha-1,6-glucosidase and 4-alpha-glucanotransferase; plus strand). Cytogenetic location: 1p21.2.
Variant type: single nucleotide variant.
Coding change: c.3259+25A>G on transcript NM_000642.3 (MANE Select); 25 bases into the intron after coding-DNA position 3259, A replaced by G.
Molecular consequence: intron variant.
Genome position (GRCh38, 1-based): chr1:99,892,632, A>G. VCF-style: chr1-99892632-A-G. GRCh37 (hg19) VCF-style: chr1-100358188-A-G.
Other names: c.3259+25A>G (NM_000643.3, NM_000644.3, NM_001425325.1 and 1 more transcripts); c.3211+25A>G (NM_000646.3); c.3238+25A>G (NM_001425326.1); c.3058+25A>G (NM_001425327.1); c.3055+25A>G (NM_001425328.1); c.2920+25A>G (NM_001425329.1); c.2881+25A>G (NM_001425332.1).
Identifiers: ClinVar variation 3039248 (VCV003039248.2), dbSNP rs918017834, ClinGen allele CA27528107.